The following is an entry in ClinVar:

ClinVar aggregate classification (germline): Likely pathogenic (1 of 4 stars; one submission).

Conditions:
Cholestasis, progressive familial intrahepatic, 8. Identifiers: MedGen C5562045, MONDO:0030505, OMIM 619662.

Submission:

3billion
Classification: Likely pathogenic for Cholestasis, progressive familial intrahepatic, 8. Last evaluated: 2022-09-01. Review status: criteria provided, single submitter. Criteria: ACMG Guidelines, 2015. Collection method: clinical testing. Allele origin: germline. Affected: yes. Observed: 1 homozygote.
Comment: The variant is not observed in the gnomAD v2.1.1 dataset. Frameshift variant is predicted to result in a loss or disruption of normal protein function through nonsense-mediated decay (NMD) or protein truncation. Multiple pathogenic variants are reported downstream of the variant. Therefore, this variant is classified as Likely pathogenic according to the recommendation of ACMG/AMP guideline.

NM_001388308.1(KIF12):c.430del (p.Ala144fs)

Gene: KIF12 (kinesin family member 12; minus strand). Cytogenetic location: 9q32.
Variant type: Deletion.
Coding change: c.430del on transcript NM_001388308.1 (MANE Select); coding-DNA position 430, one base deleted (G; older notation c.430delG).
Protein change: p.Ala144fs; shifts the reading frame from alanine 144.
Molecular consequence: frameshift variant.
Genome position (GRCh38, 1-based): chr9:114,097,687, C deleted on the plus strand (G on the coding strand, the reverse complement: KIF12 is on the minus strand). VCF-style (leftmost placement, unchanged base first): chr9-114097686-GC-G. GRCh37 (hg19) VCF-style: chr9-116859966-GC-G.
Other names: c.16del, p.Ala6fs (NM_138424.2); short protein forms A144fs, A6fs.
Identifiers: ClinVar variation 1705359 (VCV001705359.1), dbSNP rs2490352623, ClinGen allele CA2580079434.